The following is an entry in ClinVar:

ClinVar aggregate classification (germline): Pathogenic/Likely pathogenic. Review status: criteria provided, multiple submitters, no conflicts (2 of 4 stars). 3 submissions from 3 submitters: Pathogenic (1); Likely pathogenic (1). 1 of the submissions does not count toward it. Last evaluated 2024-08-01.

Conditions:
Hereditary cancer-predisposing syndrome. Also called: Hereditary Cancer Syndrome; Hereditary neoplastic syndrome; Tumor predisposition; Neoplastic Syndromes, Hereditary. Identifiers: Orphanet 140162, MedGen C0027672, MeSH D009386, MONDO:0015356.
Fanconi anemia (FA). Also called: Fanconi's anemia. Identifiers: Orphanet 84, MedGen C0015625, MeSH D005199, MONDO:0019391.
Fanconi anemia complementation group C (FANCC). Also called: FANCC-Related Fanconi Anemia; FANCONI PANCYTOPENIA, TYPE 3; FACC; Fanconi anemia, group C. Identifiers: Orphanet 84, MedGen C3468041, MONDO:0009213, OMIM 227645.

Submissions (3):

Labcorp Genetics (formerly Invitae), Labcorp
Classification: Pathogenic for Fanconi anemia. Last evaluated: 2024-08-01. Review status: criteria provided, single submitter. Criteria: Invitae Variant Classification Sherloc (09022015). Collection method: clinical testing. Allele origin: germline.
Comment: This sequence change affects an acceptor splice site in intron 11 of the FANCC gene. It is expected to disrupt RNA splicing. Variants that disrupt the donor or acceptor splice site typically lead to a loss of protein function (PMID: 16199547), and loss-of-function variants in FANCC are known to be pathogenic (PMID: 17924555). This variant is not present in population databases (gnomAD no frequency). Disruption of this splice site has been observed in individual(s) with Fanconi anemia (Invitae). In at least one individual the data is consistent with being in trans (on the opposite chromosome) from a pathogenic variant. ClinVar contains an entry for this variant (Variation ID: 554852). Algorithms developed to predict the effect of sequence changes on RNA splicing suggest that this variant may disrupt the consensus splice site. For these reasons, this variant has been classified as Pathogenic.

Ambry Genetics
Classification: Likely pathogenic for Hereditary cancer-predisposing syndrome. Last evaluated: 2024-04-26. Review status: criteria provided, single submitter. Criteria: Ambry Variant Classification Scheme 2023. Collection method: clinical testing. Allele origin: germline.
Comment: The c.1073-1G>C intronic variant results from a G to C substitution one nucleotide upstream from coding exon 11 of the FANCC gene. This variant is considered to be rare based on population cohorts in the Genome Aggregation Database (gnomAD). This nucleotide position is highly conserved in available vertebrate species. In silico splice site analysis predicts that this alteration will weaken the native splice acceptor site. Alterations that disrupt the canonical splice site are expected to cause aberrant splicing, resulting in an abnormal protein or a transcript that is subject to nonsense-mediated mRNA decay. As such, this alteration is classified as likely pathogenic.

Counsyl
Classification: Likely pathogenic for Fanconi anemia complementation group C. Last evaluated: 2017-11-15. Review status: no assertion criteria provided. Collection method: clinical testing. Allele origin: unknown. Not counted in ClinVar's aggregate classification.

Literature cited by the submitters: PubMed 16199547 (cited by Labcorp Genetics (formerly Invitae), Labcorp); PubMed 17924555 (cited by Labcorp Genetics (formerly Invitae), Labcorp).

NM_000136.3(FANCC):c.1073-1G>C

Genes: FANCC (FA complementation group C; minus strand), AOPEP (aminopeptidase O (putative); plus strand). Cytogenetic location: 9q22.32.
Variant type: single nucleotide variant.
Coding change: c.1073-1G>C on transcript NM_000136.3 (MANE Select); the canonical splice acceptor site of the intron before coding-DNA position 1073, G replaced by C.
Molecular consequence: splice acceptor variant.
Genome position (GRCh38, 1-based): chr9:95,114,711, C>G on the plus strand (G>C on the coding strand, the complement: FANCC is on the minus strand). VCF-style: chr9-95114711-C-G. GRCh37 (hg19) VCF-style: chr9-97876993-C-G.
Other names: c.1073-1G>C (NM_001243743.2, NM_001243744.2).
Identifiers: ClinVar variation 554852 (VCV000554852.9), dbSNP rs1554830249, ClinGen allele CA374108076.
Genomic context (GRCh38, chr9:95,114,711, plus strand): 5'-CTTCTCTGAGCAGTTCAGAAATATGCTTCAGTGTCTGGAGCCAGTGTCCCCGAGGGATAT[C>G]TGCGGGTGGAGAGAGATACGTCAGAGGGCAACTGAGGAAATGTCAAGCCCATGAGGAACC-3'